The following is an entry in ClinVar:

ClinVar aggregate classification (germline): Likely pathogenic. Review status: criteria provided, multiple submitters, no conflicts (2 of 4 stars). 2 submissions from 2 submitters: Likely pathogenic (2). Last evaluated 2022-11-07.

Conditions:
Familial hypocalciuric hypercalcemia (FHH). Also called: Familial benign hypercalcemia. Identifiers: Orphanet 405, MedGen C1809471, MONDO:0018458.
Autosomal dominant hypocalcemia 1 (HYPOC1). Also called: HYPOCALCEMIA, FAMILIAL. Identifiers: MedGen C3715128, MONDO:0011013, OMIM 601198.
Nephrolithiasis/nephrocalcinosis. Identifiers: MedGen CN580796.

Submissions (2):

Labcorp Genetics (formerly Invitae), Labcorp
Classification: Likely pathogenic for Familial hypocalciuric hypercalcemia; Autosomal dominant hypocalcemia 1. Last evaluated: 2022-11-07. Review status: criteria provided, single submitter. Criteria: Invitae Variant Classification Sherloc (09022015). Collection method: clinical testing. Allele origin: germline.
Comment: This sequence change affects a donor splice site in intron 5 of the CASR gene. It is expected to disrupt RNA splicing. Variants that disrupt the donor or acceptor splice site typically lead to a loss of protein function (PMID: 16199547), and loss-of-function variants in CASR are known to be pathogenic (PMID: 11807402, 14985373, 22422767). This variant is not present in population databases (gnomAD no frequency). Disruption of this splice site has been observed in individual(s) with neonatal severe hyperparathyroidism (PMID: 30376845). Algorithms developed to predict the effect of sequence changes on RNA splicing suggest that this variant may disrupt the consensus splice site. In summary, the currently available evidence indicates that the variant is pathogenic, but additional data are needed to prove that conclusively. Therefore, this variant has been classified as Likely Pathogenic.

Ambry Genetics
Classification: Likely pathogenic for Nephrolithiasis/nephrocalcinosis. Last evaluated: 2021-01-13. Review status: criteria provided, single submitter. Criteria: Ambry Variant Classification Scheme 2023. Collection method: clinical testing. Allele origin: germline.
Comment: The c.1608+1G>A intronic variant results from a G to A substitution one nucleotide after coding exon 4 of the CASR gene. This nucleotide position is highly conserved in available vertebrate species.This alteration has been reported in a homozygous state in an infant with autosomal recessive neonatal severe primary hyperparathyroidism (NSHPT) (Capozza M et al. BMC Pediatr, 2018 10;18:340). In silico splice site analysis predicts that this alteration will weaken the native splice donor site. Alterations that disrupt the canonical splice site are expected to cause aberrant splicing, resulting in an abnormal protein or a transcript that is subject to nonsense-mediated mRNA decay. As such, this alteration is classified as likely pathogenic.

Literature cited by the submitters: PubMed 16199547 (cited by Labcorp Genetics (formerly Invitae), Labcorp); PubMed 11807402 (cited by Labcorp Genetics (formerly Invitae), Labcorp); PubMed 14985373 (cited by Labcorp Genetics (formerly Invitae), Labcorp); PubMed 22422767 (cited by Labcorp Genetics (formerly Invitae), Labcorp); PubMed 30376845 (cited by Labcorp Genetics (formerly Invitae), Labcorp and Ambry Genetics).

NM_000388.4(CASR):c.1608+1G>A

Gene: CASR (calcium sensing receptor; plus strand). Cytogenetic location: 3q21.1.
Variant type: single nucleotide variant.
Coding change: c.1608+1G>A on transcript NM_000388.4 (MANE Select); the canonical splice donor site of the intron after coding-DNA position 1608, G replaced by A.
Molecular consequence: splice donor variant.
Genome position (GRCh38, 1-based): chr3:122,276,043, G>A. VCF-style: chr3-122276043-G-A. GRCh37 (hg19) VCF-style: chr3-121994890-G-A.
Other names: c.1608+1G>A (NM_001178065.2).
Identifiers: ClinVar variation 1776322 (VCV001776322.5), dbSNP rs2473258614, ClinGen allele CA354155596.